The following is an entry in ClinVar:

ClinVar aggregate classification (germline): Pathogenic (1 of 4 stars; one submission).

Submission:

Labcorp Genetics (formerly Invitae), Labcorp
Classification: Pathogenic. Last evaluated: 2022-06-22. Review status: criteria provided, single submitter. Criteria: Invitae Variant Classification Sherloc (09022015). Collection method: clinical testing. Allele origin: germline.
Comment: This variant is not present in population databases (gnomAD no frequency). This sequence change creates a premature translational stop signal (p.Gln726Argfs*5) in the ZNF469 gene. It is expected to result in an absent or disrupted protein product. Loss-of-function variants in ZNF469 are known to be pathogenic (PMID: 23642083, 23680354). This variant has not been reported in the literature in individuals affected with ZNF469-related conditions. For these reasons, this variant has been classified as Pathogenic.

Literature cited by the submitters: PubMed 23642083; PubMed 23680354.

NM_001367624.2(ZNF469):c.2177_2180del (p.Gln726fs)

Gene: ZNF469 (zinc finger protein 469; plus strand). Cytogenetic location: 16q24.2.
Variant type: Deletion.
Coding change: c.2177_2180del on transcript NM_001367624.2 (MANE Select); coding-DNA positions 2177 to 2180, 4 bases deleted (AGCT; older notation c.2177_2180delAGCT).
Protein change: p.Gln726fs; shifts the reading frame from glutamine 726.
Molecular consequence: frameshift variant.
Genome position (GRCh38, 1-based): chr16:88,429,647-88,429,650, AGCT deleted. VCF-style (leftmost placement, unchanged base first): chr16-88429646-CAGCT-C. GRCh37 (hg19) VCF-style: chr16-88496054-CAGCT-C.
Other names: short protein forms Q726fs.
Identifiers: ClinVar variation 2008901 (VCV002008901.4), dbSNP rs2507577800, ClinGen allele CA2580092229.